The following is an entry in ClinVar:

ClinVar aggregate classification (germline): Uncertain significance. Review status: criteria provided, multiple submitters, no conflicts (2 of 4 stars). 2 submissions from 2 submitters: Uncertain significance (2). Last evaluated 2023-07-22.

Conditions:
AHDC1-related intellectual disability - obstructive sleep apnea - mild dysmorphism syndrome. Also called: Xia-Gibbs syndrome. Identifiers: Orphanet 412069, MedGen C4014419, MONDO:0014358, OMIM 615829.
Inborn genetic diseases. Identifiers: MedGen C0950123, MeSH D030342.

Allele frequency attached by ClinVar (database versions not stated): TOPMed 0.00001.

Submissions (2):

Neuberg Centre For Genomic Medicine, NCGM
Classification: Uncertain significance for AHDC1-related intellectual disability - obstructive sleep apnea - mild dysmorphism syndrome. Last evaluated: 2023-07-22. Review status: criteria provided, single submitter. Criteria: ACMG Guidelines, 2015. Collection method: clinical testing. Allele origin: germline. Inheritance: Autosomal dominant inheritance. Affected: yes.
Comment: The observed missense c.1120C>Tp.Pro374Ser variant in AHDC1 gene has not been reported previously as a pathogenic variant nor as a benign variant, to our knowledge. This variant is reported with the allele frequency of 0% in the gnomAD Exomes. The amino acid Pro at position 374 is changed to a Ser changing protein sequence and it might alter its composition and physico-chemical properties. The amino acid change p.Pro374Ser in AHDC1 is predicted as conserved by GERP++ and PhyloP across 100 vertebrates. Computational evidence Polyphen - Benign, SIFT - Tolerated, and MutationTaster - Polymorphism predicts conflicting evidence on protein structure and function for this variant. Several AHDC1 missesense mutations have been found to be disease causing Khayat et al., 2021. For these reasons, this variant has been classified as Uncertain Significance.

Ambry Genetics
Classification: Uncertain significance for Inborn genetic diseases. Last evaluated: 2021-11-12. Review status: criteria provided, single submitter. Criteria: Ambry Variant Classification Scheme 2023. Collection method: clinical testing. Allele origin: germline.

NM_001371928.1(AHDC1):c.1120C>T (p.Pro374Ser)

Gene: AHDC1 (AT-hook DNA binding motif containing 1; minus strand). Cytogenetic location: 1p36.11.
Variant type: single nucleotide variant.
Coding change: c.1120C>T on transcript NM_001371928.1 (MANE Select); coding-DNA position 1120, C replaced by T.
Protein change: p.Pro374Ser; replaces proline 374 with serine.
Molecular consequence: missense variant.
Genome position (GRCh38, 1-based): chr1:27,550,996, G>A on the plus strand (C>T on the coding strand, the complement: AHDC1 is on the minus strand). VCF-style: chr1-27550996-G-A. GRCh37 (hg19) VCF-style: chr1-27877507-G-A.
Other names: c.1120C>T, p.Pro374Ser (NM_001029882.3); short protein forms P374S.
Identifiers: ClinVar variation 2261106 (VCV002261106.3), dbSNP rs751206046, ClinGen allele CA716016.
Genomic context (GRCh38, chr1:27,550,996, plus strand): 5'-ACAGGATCTTTGGCCTATCAGTGCGCCGCAAGGCGTACTTGGGGTGACCCTCAGGCCCGG[G>A]GGGGCCGTGCGGTGAGCACAAGTCCAGGCGCAAGGGCTCGGCCAGTGGGCAGTGCCCCAG-3'
Protein context (NP_001358857.1, residues 364-384): RLDLCSPHGP[Pro374Ser]GPEGHPKYAL